The following is an entry in ClinVar:

NM_006348.5(COG5):c.895_896del (p.Phe299fs)

Gene: COG5 (component of oligomeric golgi complex 5; minus strand). Cytogenetic location: 7q22.3.
Variant type: Deletion.
Coding change: c.895_896del on transcript NM_006348.5 (MANE Select); coding-DNA positions 895 to 896, 2 bases deleted (TT; older notation c.895_896delTT).
Protein change: p.Phe299fs; shifts the reading frame from phenylalanine 299.
Molecular consequence: frameshift variant. On other transcripts: intron variant (2).
Genome position (GRCh38, 1-based): chr7:107,362,360-107,362,361, AA deleted on the plus strand (TT on the coding strand, the reverse complement: COG5 is on the minus strand). VCF-style (leftmost placement, unchanged base first): chr7-107362359-GAA-G. GRCh37 (hg19) VCF-style: chr7-107002804-GAA-G.
Other names: c.895_896del, p.Phe299fs (NM_001161520.2, NM_001379511.1, NM_001379512.1 and 3 more transcripts); c.235-251_235-250del (NM_001379516.1); c.539-64015_539-64014del (NM_001379515.1); short protein forms F299fs.
Identifiers: ClinVar variation 4851362 (VCV004851362.1).

ClinVar aggregate classification (germline): Pathogenic (1 of 4 stars; one submission).

Conditions:
Fetal anomalies with a likely genetic cause.

Submission:

Genetics Laboratory, Great Ormond Street Hospital NHS Foundation Trust, North Thames Genomic Laboratory Hub
Classification: Pathogenic for Fetal anomalies with a likely genetic cause. Last evaluated: 2026-03-24. Review status: criteria provided, single submitter. Criteria: ACGS Best Practice Guidelines for Variant Classification in Rare Disease 2024 v1.2. Collection method: clinical testing. Allele origin: germline. Affected: yes.
Comment: PM2_moderate, PVS1_very-strong